The following is an entry in ClinVar:

ClinVar aggregate classification (germline): Uncertain significance (1 of 4 stars; one submission).

Conditions:
DICER1-related tumor predisposition. Also called: DICER1-related pleuropulmonary blastoma cancer predisposition syndrome; DICER1 syndrome. Identifiers: Orphanet 284343, MedGen C3839822, MONDO:0100216.

Submission:

Labcorp Genetics (formerly Invitae), Labcorp
Classification: Uncertain significance for DICER1-related tumor predisposition. Last evaluated: 2025-04-01. Review status: criteria provided, single submitter. Criteria: Invitae Variant Classification Sherloc (09022015). Collection method: clinical testing. Allele origin: germline.
Comment: This sequence change replaces arginine, which is basic and polar, with glycine, which is neutral and non-polar, at codon 1879 of the DICER1 protein (p.Arg1879Gly). This variant is not present in population databases (gnomAD no frequency). This variant has not been reported in the literature in individuals affected with DICER1-related conditions. Invitae Evidence Modeling of protein sequence and biophysical properties (such as structural, functional, and spatial information, amino acid conservation, physicochemical variation, residue mobility, and thermodynamic stability) has been performed for this missense variant. However, the output from this modeling did not meet the statistical confidence thresholds required to predict the impact of this variant on DICER1 protein function. In summary, the available evidence is currently insufficient to determine the role of this variant in disease. Therefore, it has been classified as a Variant of Uncertain Significance.

NM_177438.3(DICER1):c.5635A>G (p.Arg1879Gly)

Gene: DICER1 (dicer 1, ribonuclease III; minus strand). Cytogenetic location: 14q32.13.
Variant type: single nucleotide variant.
Coding change: c.5635A>G on transcript NM_177438.3 (MANE Select); coding-DNA position 5635, A replaced by G.
Protein change: p.Arg1879Gly; replaces arginine 1879 with glycine.
Molecular consequence: missense variant. On other transcripts: non-coding transcript variant (6), synonymous variant (1).
Genome position (GRCh38, 1-based): chr14:95,090,632, T>C on the plus strand (A>G on the coding strand, the complement: DICER1 is on the minus strand). VCF-style: chr14-95090632-T-C. GRCh37 (hg19) VCF-style: chr14-95556969-T-C.
Other names: c.5068A>G, p.Arg1690Gly (NM_001395691.1); c.3952A>G, p.Arg1318Gly (NM_001395697.1); c.5635A>G, p.Arg1879Gly (NM_030621.4, NM_001271282.3, NM_001291628.2 and 7 more transcripts); c.5472A>G, p.Ser1824= (NM_001195573.1); c.5353A>G, p.Arg1785Gly (NM_001395686.1); c.5230A>G, p.Arg1744Gly (NM_001395687.1, NM_001395688.1, NM_001395689.1 and 1 more transcripts); short protein forms R1879G, R1318G, R1744G, R1785G, R1690G.
Identifiers: ClinVar variation 4746823 (VCV004746823.1).
Genomic context (GRCh38, chr14:95,090,632, plus strand): 5'-TCCTGTAACTTCGACCAACACCTTTAAATTTCCCCTTTCCTACTACTTCCACAGTGACTC[T>C]GACCTTCCCGTCGTAAGTTCTCTCAGCCGGGCTGTAAAAAATCCAAACAGCTTGAATTAG-3'
Protein context (NP_803187.1, residues 1869-1889): PAERTYDGKV[Arg1879Gly]VTVEVVGKGK